The following is an entry in ClinVar:

NM_003098.3(SNTA1):c.1204C>T (p.Arg402Trp)

Gene: SNTA1 (syntrophin alpha 1; minus strand). Cytogenetic location: 20q11.21.
Variant type: single nucleotide variant.
Coding change: c.1204C>T on transcript NM_003098.3 (MANE Select); coding-DNA position 1204, C replaced by T.
Protein change: p.Arg402Trp; replaces arginine 402 with tryptophan.
Molecular consequence: missense variant.
Genome position (GRCh38, 1-based): chr20:33,410,168, G>A on the plus strand (C>T on the coding strand, the complement: SNTA1 is on the minus strand). VCF-style: chr20-33410168-G-A. GRCh37 (hg19) VCF-style: chr20-31997974-G-A.
Other names: short protein forms R402W.
Identifiers: ClinVar variation 203366 (VCV000203366.9), dbSNP rs373387978, ClinGen allele CA275494.

ClinVar aggregate classification (germline): Uncertain significance. Review status: criteria provided, multiple submitters, no conflicts (2 of 4 stars). 4 submissions from 4 submitters: Uncertain significance (3). 1 of the submissions does not count toward it. Last evaluated 2025-03-04.

Conditions:
Cardiovascular phenotype. Identifiers: MedGen CN230736.
Long QT syndrome (LQTS). Identifiers: MedGen C0023976, MeSH D008133, MONDO:0002442. Disease mechanism: loss of function. Inheritance: Various modes of inheritance.
Long QT syndrome 12 (LQT12). Identifiers: Orphanet 101016, Orphanet 768, MedGen C2751830, MONDO:0013062, OMIM 612955.

Allele frequency attached by ClinVar (database versions not stated): gnomAD 0.00002; TOPMed 0.00003; ESP Exome Variant Server 0.00008.
gnomAD v4.1: 43 of 1,614,070 alleles (0.0027%); highest among the groups gnomAD compares: Non-Finnish European, 0.0034%; no homozygotes.

Submissions (4):

Ambry Genetics
Classification: Uncertain significance for Cardiovascular phenotype. Last evaluated: 2025-03-04. Review status: criteria provided, single submitter. Criteria: Ambry Variant Classification Scheme 2023. Collection method: clinical testing. Allele origin: germline.
Comment: The p.R402W variant (also known as c.1204C>T), located in coding exon 6 of the SNTA1 gene, results from a C to T substitution at nucleotide position 1204. The arginine at codon 402 is replaced by tryptophan, an amino acid with dissimilar properties. This amino acid position is not well conserved in available vertebrate species. In addition, this alteration is predicted to be tolerated by in silico analysis. Since supporting evidence is limited at this time, the clinical significance of this alteration remains unclear.

Labcorp Genetics (formerly Invitae), Labcorp
Classification: Uncertain significance for Long QT syndrome. Last evaluated: 2023-06-06. Review status: criteria provided, single submitter. Criteria: Invitae Variant Classification Sherloc (09022015). Collection method: clinical testing. Allele origin: germline.
Comment: This variant is present in population databases (rs373387978, gnomAD 0.006%). This sequence change replaces arginine, which is basic and polar, with tryptophan, which is neutral and slightly polar, at codon 402 of the SNTA1 protein (p.Arg402Trp). This variant has not been reported in the literature in individuals affected with SNTA1-related conditions. In summary, the available evidence is currently insufficient to determine the role of this variant in disease. Therefore, it has been classified as a Variant of Uncertain Significance. Advanced modeling of protein sequence and biophysical properties (such as structural, functional, and spatial information, amino acid conservation, physicochemical variation, residue mobility, and thermodynamic stability) performed at Invitae indicates that this missense variant is not expected to disrupt SNTA1 protein function. ClinVar contains an entry for this variant (Variation ID: 203366).

Fulgent Genetics
Classification: Uncertain significance for Long QT syndrome 12. Last evaluated: 2022-05-12. Review status: criteria provided, single submitter. Criteria: ACMG Guidelines, 2015. Collection method: clinical testing. Allele origin: unknown.

Division of Human Genetics, Children's Hospital of Philadelphia
Classification: Uncertain significance for Long QT syndrome 12. Last evaluated: 2014-07-17. Review status: no assertion criteria provided. Collection method: research. Allele origin: maternal. Affected: yes. Study: CSER-PediSeq. Not counted in ClinVar's aggregate classification.
Comment: This test identified a missense variant (c.1204G>A; p.Arg402Trp) in the SNTA1 gene, which is implicated in Long QT syndrome 12. This variant is considered a variant of unknown significance because it has not been reported in patients with Long QT syndrome and has properties that are suggestive of it being both a pathogenic and benign variant. In this family, the variant did not segregate with disease, making it less likely to be associated with the cardiac findings.